The following is an entry in ClinVar:

NM_013254.4(TBK1):c.1391T>C (p.Val464Ala)

Gene: TBK1 (TANK binding kinase 1; plus strand). Cytogenetic location: 12q14.2.
Variant type: single nucleotide variant.
Coding change: c.1391T>C on transcript NM_013254.4 (MANE Select); coding-DNA position 1391, T replaced by C.
Protein change: p.Val464Ala; replaces valine 464 with alanine.
Molecular consequence: missense variant.
Genome position (GRCh38, 1-based): chr12:64,488,537, T>C. VCF-style: chr12-64488537-T-C. GRCh37 (hg19) VCF-style: chr12-64882317-T-C.
Other names: p.Val464Ala; c.1391T>C, p.Val464Ala (LRG_1306t1); short protein forms V464A.
Identifiers: ClinVar variation 475935 (VCV000475935.52), dbSNP rs35635889, ClinGen allele CA6669048.
Genomic context (GRCh38, chr12:64,488,537, plus strand): 5'-CTTTTTTTAGTGAATTAATTAAAGATGATTACAATGAAACTGTTCACAAAAAGACAGAAG[T>C]TGTGATCACATTGGATTTCTGTATCAGAAACATTGAAAAAACTGTGAAAGTGTGAGTAGA-3'
Protein context (NP_037386.1, residues 454-474): YNETVHKKTE[Val464Ala]VITLDFCIRN

ClinVar aggregate classification (germline): Benign/Likely benign. Review status: criteria provided, multiple submitters, no conflicts (2 of 4 stars). 10 submissions from 9 submitters: Benign (4); Likely benign (3). 3 of the submissions do not count toward it. Last evaluated 2026-09-01.

Conditions:
Glaucoma 1, open angle, P. Identifiers: MedGen C3888338, MONDO:0008328, OMIM 177700.
Frontotemporal dementia and/or amyotrophic lateral sclerosis 4. Also called: FTDALS4. Identifiers: Orphanet 275872, MedGen C4225325, MONDO:0014641, OMIM 616439.

Allele frequency attached by ClinVar (database versions not stated): 1000 Genomes Project 0.00359; 1000 Genomes Project 30x 0.00437; TOPMed 0.01229; gnomAD exomes 0.01349 and 0.01965; gnomAD 0.01406 and 0.01470; ESP Exome Variant Server 0.01501; ExAC 0.01621.
gnomAD v4.1: 30,478 of 1,604,966 alleles (1.9%); highest among the groups gnomAD compares: Non-Finnish European, 2.2%; 317 homozygotes.

Submissions (10):

CeGaT Center for Human Genetics Tuebingen
Classification: Benign. Last evaluated: 2026-09-01. Review status: criteria provided, single submitter. Criteria: CeGaT Center For Human Genetics Tuebingen Variant Classification Criteria Version 2. Collection method: clinical testing. Allele origin: germline. Affected: yes. Observed: 120 variant alleles.
Comment: TBK1: BS1, BS2

Labcorp Genetics (formerly Invitae), Labcorp
Classification: Benign for Frontotemporal dementia and/or amyotrophic lateral sclerosis 4. Last evaluated: 2026-02-04. Review status: criteria provided, single submitter. Criteria: Invitae Variant Classification Sherloc (09022015). Collection method: clinical testing. Allele origin: germline.

Women's Health and Genetics/Laboratory Corporation of America, LabCorp
Classification: Likely benign. Last evaluated: 2026-01-23. Review status: criteria provided, single submitter. Criteria: LabCorp Variant Classification Summary - May 2015. Collection method: clinical testing. Allele origin: germline.

Mayo Clinic Laboratories, Mayo Clinic
Classification: Benign. Last evaluated: 2022-12-21. Review status: criteria provided, single submitter. Criteria: ACMG Guidelines, 2015. Collection method: clinical testing. Allele origin: germline. Observed: 24 variant alleles.
Comment: BS1, BS2, BS3, BP4

GeneDx
Classification: Likely benign. Last evaluated: 2020-10-13. Review status: criteria provided, single submitter. Criteria: GeneDx Variant Classification Process June 2021. Collection method: clinical testing. Allele origin: germline. Affected: yes.

Genome Diagnostics Laboratory, University Medical Center Utrecht
Classification: Benign for Glaucoma 1, open angle, P. Last evaluated: 2016-03-06. Review status: criteria provided, single submitter. Criteria: ACGS Guidelines, 2013. Collection method: clinical testing. Allele origin: germline. Affected: yes. Study: VKGL Data-share Consensus.

Breakthrough Genomics
Classification: Likely benign. Review status: criteria provided, single submitter. Criteria: ACMG Guidelines, 2015. Collection method: not provided. Allele origin: germline. Inheritance: Autosomal dominant inheritance. Affected: yes.

Genome Diagnostics Laboratory, Amsterdam University Medical Center
Classification: Likely benign for Glaucoma 1, open angle, P. Last evaluated: 2016-07-21. Review status: no assertion criteria provided. Criteria: ACGS Guidelines, 2013. Collection method: clinical testing. Allele origin: germline. Affected: yes. Study: VKGL Data-share Consensus. Not counted in ClinVar's aggregate classification.

Clinical Genetics, Academic Medical Center
Classification: Benign. Review status: no assertion criteria provided. Collection method: clinical testing. Allele origin: germline. Affected: yes. Study: VKGL Data-share Consensus. Not counted in ClinVar's aggregate classification.

Genome Diagnostics Laboratory, Amsterdam University Medical Center
Classification: Benign. Review status: no assertion criteria provided. Collection method: clinical testing. Allele origin: germline. Affected: yes. Study: VKGL Data-share Consensus. Not counted in ClinVar's aggregate classification.

Literature cited by the submitters: PubMed 27211305 (cited by Mayo Clinic Laboratories, Mayo Clinic); PubMed 29146049 (cited by Mayo Clinic Laboratories, Mayo Clinic); PubMed 31498468 (cited by Mayo Clinic Laboratories, Mayo Clinic); PubMed 32893041 (cited by Mayo Clinic Laboratories, Mayo Clinic).